The following is an entry in ClinVar:

NM_000051.4(ATM):c.7696G>A (p.Ala2566Thr)

Genes: C11orf65 (chromosome 11 open reading frame 65; minus strand), ATM (ATM serine/threonine kinase; plus strand). Cytogenetic location: 11q22.3.
Variant type: single nucleotide variant.
Coding change: c.7696G>A on transcript NM_000051.4 (MANE Select); coding-DNA position 7696, G replaced by A.
Protein change: p.Ala2566Thr; replaces alanine 2566 with threonine.
Molecular consequence: missense variant. On other transcripts: intron variant (2).
Genome position (GRCh38, 1-based): chr11:108,331,945, G>A. VCF-style: chr11-108331945-G-A. GRCh37 (hg19) VCF-style: chr11-108202672-G-A.
Other names: c.7696G>A, p.Ala2566Thr (NM_001351834.2); c.641-22874C>T (NM_001330368.2); c.*38+3275C>T (NM_001351110.2); short protein forms A2566T.
Identifiers: ClinVar variation 407561 (VCV000407561.20), dbSNP rs1060501604, ClinGen allele CA16613130.

ClinVar aggregate classification (germline): Uncertain significance. Review status: criteria provided, multiple submitters, no conflicts (2 of 4 stars). 5 submissions from 5 submitters: Uncertain significance (5). Last evaluated 2025-02-19.

Conditions:
Hereditary cancer-predisposing syndrome. Also called: Neoplastic Syndromes, Hereditary; Hereditary Cancer Syndrome; Tumor predisposition; Hereditary neoplastic syndrome. Identifiers: Orphanet 140162, MedGen C0027672, MeSH D009386, MONDO:0015356.
Familial cancer of breast. Also called: Hereditary breast cancer; BREAST CANCER, FAMILIAL; hereditary breast carcinoma. Identifiers: Orphanet 227535, MedGen C0346153, MONDO:0016419, OMIM 114480. Disease mechanism: loss of function.
Ataxia-telangiectasia syndrome (AT). Also called: LOUIS-BAR SYNDROME; Cerebello-oculocutaneous telangiectasia; Immunodeficiency with ataxia telangiectasia; Ataxia-telangiectasia, complementation group D; AT, COMPLEMENTATION GROUP C; Ataxia-telangiectasia, complementation group E. Identifiers: Orphanet 100, MedGen C0004135, MONDO:0008840, OMIM 208900.

Allele frequency attached by ClinVar (database versions not stated): gnomAD exomes below 0.00001.
gnomAD v4.1: 1 of 1,613,900 alleles (0.000062%); highest among the groups gnomAD compares: Non-Finnish European, 0.000085%; no homozygotes.

Submissions (5):

Ambry Genetics
Classification: Uncertain significance for Hereditary cancer-predisposing syndrome. Last evaluated: 2025-02-19. Review status: criteria provided, single submitter. Criteria: Ambry Variant Classification Scheme 2023. Collection method: clinical testing. Allele origin: germline.
Comment: The p.A2566T variant (also known as c.7696G>A), located in coding exon 51 of the ATM gene, results from a G to A substitution at nucleotide position 7696. The alanine at codon 2566 is replaced by threonine, an amino acid with similar properties. This amino acid position is highly conserved in available vertebrate species. In addition, the in silico prediction for this alteration is inconclusive. Based on the available evidence, the clinical significance of this variant remains unclear.

Labcorp Genetics (formerly Invitae), Labcorp
Classification: Uncertain significance for Ataxia-telangiectasia syndrome. Last evaluated: 2024-11-27. Review status: criteria provided, single submitter. Criteria: Invitae Variant Classification Sherloc (09022015). Collection method: clinical testing. Allele origin: germline.
Comment: This sequence change replaces alanine, which is neutral and non-polar, with threonine, which is neutral and polar, at codon 2566 of the ATM protein (p.Ala2566Thr). This variant is not present in population databases (gnomAD no frequency). This missense change has been observed in individual(s) with breast cancer (PMID: 35264596). ClinVar contains an entry for this variant (Variation ID: 407561). Invitae Evidence Modeling of protein sequence and biophysical properties (such as structural, functional, and spatial information, amino acid conservation, physicochemical variation, residue mobility, and thermodynamic stability) has been performed for this missense variant. However, the output from this modeling did not meet the statistical confidence thresholds required to predict the impact of this variant on ATM protein function. In summary, the available evidence is currently insufficient to determine the role of this variant in disease. Therefore, it has been classified as a Variant of Uncertain Significance.

Baylor Genetics
Classification: Uncertain significance for Familial cancer of breast. Last evaluated: 2024-02-25. Review status: criteria provided, single submitter. Criteria: ACMG Guidelines, 2015. Collection method: clinical testing. Allele origin: unknown.

Color Diagnostics, LLC DBA Color Health
Classification: Uncertain significance for Hereditary cancer-predisposing syndrome. Last evaluated: 2022-08-22. Review status: criteria provided, single submitter. Criteria: ACMG Guidelines, 2015. Collection method: clinical testing. Allele origin: germline.
Comment: This missense variant replaces alanine with threonine at codon 2566 of the ATM protein. Computational prediction is inconclusive regarding the impact of this variant on protein structure and function (internally defined REVEL score threshold 0.5 < inconclusive < 0.7, PMID: 27666373). To our knowledge, functional studies have not been reported for this variant. This variant has not been reported in individuals affected with hereditary cancer in the literature. This variant has not been identified in the general population by the Genome Aggregation Database (gnomAD). The available evidence is insufficient to determine the role of this variant in disease conclusively. Therefore, this variant is classified as a Variant of Uncertain Significance.

Mendelics
Classification: Uncertain significance for Ataxia-telangiectasia syndrome. Last evaluated: 2018-07-02. Review status: criteria provided, single submitter. Criteria: Mendelics Assertion Criteria 2017. Collection method: clinical testing. Allele origin: unknown.

Literature cited by the submitters: PubMed 35264596 (cited by Labcorp Genetics (formerly Invitae), Labcorp).